The following is an entry in ClinVar:

NM_000548.5(TSC2):c.4247C>A (p.Ala1416Asp)

Gene: TSC2 (TSC complex subunit 2; plus strand). Cytogenetic location: 16p13.3.
Variant type: single nucleotide variant.
Coding change: c.4247C>A on transcript NM_000548.5 (MANE Select); coding-DNA position 4247, C replaced by A.
Protein change: p.Ala1416Asp; replaces alanine 1416 with aspartic acid.
Molecular consequence: missense variant. On other transcripts: non-coding transcript variant (5).
Genome position (GRCh38, 1-based): chr16:2,084,469, C>A. VCF-style: chr16-2084469-C-A. GRCh37 (hg19) VCF-style: chr16-2134470-C-A.
Other names: c.4046C>A, p.Ala1349Asp (NM_001077183.3); c.4178C>A, p.Ala1393Asp (NM_001114382.3); c.3938C>A, p.Ala1313Asp (NM_001318827.2); c.3902C>A, p.Ala1301Asp (NM_001318829.2); c.3515C>A, p.Ala1172Asp (NM_001318831.2); c.4079C>A, p.Ala1360Asp (NM_001318832.2); c.4049C>A, p.Ala1350Asp (NM_001363528.2); c.4115C>A, p.Ala1372Asp (NM_001370404.1); and 26 more; short protein forms A1149D, A1150D, A1172D, A1192D, A1193D, A1196D, A1216D, A1300D.
Identifiers: ClinVar variation 3061164 (VCV003061164.2), dbSNP rs2090510754, ClinGen allele CA394300421.

ClinVar aggregate classification (germline): Uncertain significance (0 of 4 stars; one submission).

Conditions:
TSC2-related disorder. Also called: TSC2-related condition; TSC2-Related Disorders.

Submission:

PreventionGenetics, part of Exact Sciences
Classification: Uncertain significance for TSC2-related condition. Last evaluated: 2024-02-07. Review status: no assertion criteria provided. Collection method: clinical testing. Allele origin: germline.
Comment: The TSC2 c.4247C>A variant is predicted to result in the amino acid substitution p.Ala1416Asp. To our knowledge, this variant has not been reported in the literature or in a large population database, indicating this variant is rare. At this time, the clinical significance of this variant is uncertain due to the absence of conclusive functional and genetic evidence.